The following is an entry in ClinVar:

ClinVar aggregate classification (germline): Uncertain significance. Review status: criteria provided, multiple submitters, no conflicts (2 of 4 stars). 3 submissions from 3 submitters: Uncertain significance (2). 1 of the submissions does not count toward it. Last evaluated 2025-07-16.

Conditions:
Inborn genetic diseases. Identifiers: MedGen C0950123, MeSH D030342.

Allele frequency attached by ClinVar (database versions not stated): gnomAD below 0.00001 and 0.00001; ExAC 0.00001; gnomAD exomes 0.00001.
gnomAD v4.1: 16 of 1,612,690 alleles (0.00099%); highest among the groups gnomAD compares: South Asian, 0.013%; no homozygotes.

Submissions (3):

Ambry Genetics
Classification: Uncertain significance for Inborn genetic diseases. Last evaluated: 2025-07-16. Review status: criteria provided, single submitter. Criteria: Ambry Variant Classification Scheme 2023. Collection method: clinical testing. Allele origin: germline.

Labcorp Genetics (formerly Invitae), Labcorp
Classification: Uncertain significance. Last evaluated: 2024-01-29. Review status: criteria provided, single submitter. Criteria: Invitae Variant Classification Sherloc (09022015). Collection method: clinical testing. Allele origin: germline.
Comment: This sequence change replaces asparagine, which is neutral and polar, with aspartic acid, which is acidic and polar, at codon 718 of the FGFR3 protein (p.Asn718Asp). This variant is present in population databases (rs587778358, gnomAD 0.006%). This variant has not been reported in the literature in individuals affected with FGFR3-related conditions. ClinVar contains an entry for this variant (Variation ID: 134407). Advanced modeling of protein sequence and biophysical properties (such as structural, functional, and spatial information, amino acid conservation, physicochemical variation, residue mobility, and thermodynamic stability) performed at Invitae indicates that this missense variant is not expected to disrupt FGFR3 protein function with a negative predictive value of 95%. In summary, the available evidence is currently insufficient to determine the role of this variant in disease. Therefore, it has been classified as a Variant of Uncertain Significance.

ITMI
No classification provided. Condition: AllHighlyPenetrant. Last evaluated: 2013-09-19. Review status: no classification provided. Collection method: reference population. Allele origin: germline. Not counted in ClinVar's aggregate classification.
Comment: Please see associated publication for description of ethnicities

Literature cited by the submitters: PubMed 24728327 (cited by ITMI).

NM_000142.5(FGFR3):c.2152A>G (p.Asn718Asp)

Gene: FGFR3 (fibroblast growth factor receptor 3; plus strand). Cytogenetic location: 4p16.3.
Variant type: single nucleotide variant.
Coding change: c.2152A>G on transcript NM_000142.5 (MANE Select); coding-DNA position 2152, A replaced by G.
Protein change: p.Asn718Asp; replaces asparagine 718 with aspartic acid.
Molecular consequence: missense variant. On other transcripts: non-coding transcript variant (1).
Genome position (GRCh38, 1-based): chr4:1,806,667, A>G. VCF-style: chr4-1806667-A-G. GRCh37 (hg19) VCF-style: chr4-1808394-A-G.
Other names: c.2158A>G, p.Asn720Asp (NM_001163213.2); c.2155A>G, p.Asn719Asp (NM_001354809.2); c.2084A>G, p.Gln695Arg (NM_001354810.2); c.1816A>G, p.Asn606Asp (NM_022965.4); c.2152A>G (NM_000142.4); short protein forms N718D, N720D, N719D, Q695R, N606D.
Identifiers: ClinVar variation 134407 (VCV000134407.5), dbSNP rs587778358, ClinGen allele CA159719.